The following is an entry in ClinVar:

NM_017763.6(RNF43):c.2048A>G (p.His683Arg)

Gene: RNF43 (ring finger protein 43; minus strand). Cytogenetic location: 17q22.
Variant type: single nucleotide variant.
Coding change: c.2048A>G on transcript NM_017763.6 (MANE Select); coding-DNA position 2048, A replaced by G.
Protein change: p.His683Arg; replaces histidine 683 with arginine.
Molecular consequence: missense variant.
Genome position (GRCh38, 1-based): chr17:58,357,728, T>C on the plus strand (A>G on the coding strand, the complement: RNF43 is on the minus strand). VCF-style: chr17-58357728-T-C. GRCh37 (hg19) VCF-style: chr17-56435089-T-C.
Other names: c.2048A>G, p.His683Arg (NM_001305544.3, NM_001438820.1, NM_001438821.1 and 1 more transcripts); c.1667A>G, p.His556Arg (NM_001305545.2, NM_001437987.1); short protein forms H683R, H556R.
Identifiers: ClinVar variation 4155772 (VCV004155772.1).

ClinVar aggregate classification (germline): Uncertain significance (1 of 4 stars; one submission).

Submission:

Ambry Genetics
Classification: Uncertain significance. Last evaluated: 2025-08-09. Review status: criteria provided, single submitter. Criteria: Ambry Variant Classification Scheme 2023. Collection method: clinical testing. Allele origin: germline.
Comment: The p.H683R variant (also known as c.2048A>G), located in coding exon 8 of the RNF43 gene, results from an A to G substitution at nucleotide position 2048. The histidine at codon 683 is replaced by arginine, an amino acid with highly similar properties. This amino acid position is conserved. In addition, this alteration is predicted to be tolerated by in silico analysis. Based on the available evidence, the clinical significance of this variant remains unclear.